The following is an entry in ClinVar:

NM_006009.4(TUBA1A):c.13A>C (p.Ile5Leu)

Gene: TUBA1A (tubulin alpha 1a; minus strand). Cytogenetic location: 12q13.12.
Variant type: single nucleotide variant.
Coding change: c.13A>C on transcript NM_006009.4 (MANE Select); coding-DNA position 13, A replaced by C.
Protein change: p.Ile5Leu; replaces isoleucine 5 with leucine.
Molecular consequence: missense variant. On other transcripts: 5 prime UTR variant (1).
Genome position (GRCh38, 1-based): chr12:49,186,824, T>G on the plus strand (A>C on the coding strand, the complement: TUBA1A is on the minus strand). VCF-style: chr12-49186824-T-G. GRCh37 (hg19) VCF-style: chr12-49580607-T-G.
Other names: c.13A>C, p.Ile5Leu (NM_001270399.2); c.-93A>C (NM_001270400.2); short protein forms I5L.
Identifiers: ClinVar variation 30268 (VCV000030268.6), dbSNP rs387906840, ClinGen allele CA213184.

ClinVar aggregate classification (germline): Likely pathogenic. Review status: criteria provided, single submitter (1 of 4 stars). 2 submissions from 2 submitters: Likely pathogenic (1). 1 of the submissions does not count toward it. Last evaluated 2018-07-01.

Conditions:
Tubulinopathy. Also called: Tubulinopathies. Identifiers: MedGen CN850169, MONDO:0100153.
Lissencephaly due to TUBA1A mutation (CDCBM16). Also called: CORTICAL DYSPLASIA, COMPLEX, WITH OTHER BRAIN MALFORMATIONS 16; Lissencephaly 3. Identifiers: Orphanet 171680, MedGen C4305153, MONDO:0012703, OMIM 611603.

Submissions (2):

Institute of Human Genetics, FAU Erlangen, Friedrich-Alexander-Universität Erlangen-Nürnberg
Classification: Likely pathogenic for Tubulinopathies. Last evaluated: 2018-07-01. Review status: criteria provided, single submitter. Criteria: ACMG Guidelines, 2015. Collection method: literature only. Allele origin: germline. Affected: yes. Observed: 3 variant alleles.
Comment: The c.13A>C, p.(Ile5Leu) variant has been reported as a variant of germline origin. This variant and associated phenotype was previously reported by Jansen et al. Neurology, 2011 PMID: 21403111. HPO-standardized clinical features were: Hypoplasia of the corpus callosum (HP:0002079); Perisylvian polymicrogyria (HP:0012650); no Abnormality of the cerebellar vermis (-HP:0002334); Hypoplasia of the brainstem (HP:0002365); Gray matter heterotopia (HP:0002281); Microcephaly (HP:0000252); Spasticity (HP:0001257); Focal seizures (HP:0007359); Strabismus (HP:0000486)

OMIM
Classification: Pathogenic for CORTICAL DYSPLASIA, COMPLEX, WITH OTHER BRAIN MALFORMATIONS 16. Last evaluated: 2011-03-15. Review status: no assertion criteria provided. Collection method: literature only. Allele origin: unknown. Not counted in ClinVar's aggregate classification.

Literature cited by the submitters: PubMed 30744660 (cited by Institute of Human Genetics, FAU Erlangen, Friedrich-Alexander-Universität Erlangen-Nürnberg); DOI 10.1101/427948 (cited by Institute of Human Genetics, FAU Erlangen, Friedrich-Alexander-Universität Erlangen-Nürnberg); PubMed 21403111 (cited by OMIM).